The following is an entry in ClinVar:

NM_152564.5(VPS13B):c.7298dup (p.Thr2434fs)

Gene: VPS13B (vacuolar protein sorting 13 homolog B; plus strand). Cytogenetic location: 8q22.2.
Variant type: Duplication.
Coding change: c.7298dup on transcript NM_152564.5 (MANE Select); coding-DNA position 7298, one base duplicated (C; older notation c.7298dupC).
Protein change: p.Thr2434fs; shifts the reading frame from threonine 2434.
Molecular consequence: frameshift variant.
Genome position (GRCh38, 1-based): chr8:99,776,825, C duplicated; the last of 2 consecutive C bases (chr8:99,776,824-99,776,825); duplicating either gives the same sequence. VCF-style (leftmost placement, unchanged base first): chr8-99776823-T-TC. GRCh37 (hg19) VCF-style: chr8-100789051-T-TC.
Other names: c.7373dup, p.Thr2459fs (NM_017890.5); short protein forms T2434fs, T2459fs.
Identifiers: ClinVar variation 4815971 (VCV004815971.1).

ClinVar aggregate classification (germline): Likely pathogenic (1 of 4 stars; one submission).

Conditions:
Cohen syndrome (COH1). Also called: PEPPER SYNDROME; Cutis verticis gyrata, retinitis pigmentosa, and sensorineural deafness. Identifiers: Orphanet 193, MedGen C0265223, MONDO:0008999, OMIM 216550.

Submission:

Natera, Inc.
Classification: Likely pathogenic for Cohen syndrome. Last evaluated: 2025-09-29. Review status: criteria provided, single submitter. Criteria: Natera Variant Classification Schema (03/2026). Collection method: clinical testing. Allele origin: germline.
Comment: The c.7373dup variant in VPS13B is a frameshift variant predicted to shift the reading frame beginning at codon 2459 and leads to a stop codon 10 codons downstream. This variant is expected to result in nonsense mediated decay, truncation, or a dysfunctional protein product. This variant is rare in the general population with a frequency below the threshold expected for the associated phenotype(s). Given the available evidence, this variant is classified as Likely Pathogenic.